The following is an entry in ClinVar:

ClinVar aggregate classification (germline): Uncertain significance (1 of 4 stars; one submission).

Conditions:
Bloom syndrome (BLM). Also called: Bloom-Torre-Machacek syndrome. Identifiers: Orphanet 125, MedGen C0005859, MONDO:0008876, OMIM 210900.

Submission:

Labcorp Genetics (formerly Invitae), Labcorp
Classification: Uncertain significance for Bloom syndrome. Last evaluated: 2025-08-03. Review status: criteria provided, single submitter. Criteria: Invitae Variant Classification Sherloc (09022015). Collection method: clinical testing. Allele origin: germline.
Comment: This sequence change replaces leucine, which is neutral and non-polar, with proline, which is neutral and non-polar, at codon 922 of the BLM protein (p.Leu922Pro). This variant is not present in population databases (gnomAD no frequency). This variant has not been reported in the literature in individuals affected with BLM-related conditions. Invitae Evidence Modeling of protein sequence and biophysical properties (such as structural, functional, and spatial information, amino acid conservation, physicochemical variation, residue mobility, and thermodynamic stability) indicates that this missense variant is expected to disrupt BLM protein function with a positive predictive value of 80%. In summary, the available evidence is currently insufficient to determine the role of this variant in disease. Therefore, it has been classified as a Variant of Uncertain Significance.

NM_000057.4(BLM):c.2765T>C (p.Leu922Pro)

Gene: BLM (BLM RecQ like helicase; plus strand). Cytogenetic location: 15q26.1.
Variant type: single nucleotide variant.
Coding change: c.2765T>C on transcript NM_000057.4 (MANE Select); coding-DNA position 2765, T replaced by C.
Protein change: p.Leu922Pro; replaces leucine 922 with proline.
Molecular consequence: missense variant.
Genome position (GRCh38, 1-based): chr15:90,785,023, T>C. VCF-style: chr15-90785023-T-C. GRCh37 (hg19) VCF-style: chr15-91328253-T-C.
Other names: c.2765T>C, p.Leu922Pro (NM_001287246.2, NM_001287247.2); c.1640T>C, p.Leu547Pro (NM_001287248.2); short protein forms L922P, L547P.
Identifiers: ClinVar variation 4743731 (VCV004743731.1).